The following is an entry in ClinVar:

NM_001042432.2(CLN3):c.326T>C (p.Leu109Pro)

Gene: CLN3 (CLN3 lysosomal/endosomal transmembrane protein, battenin; minus strand). Cytogenetic location: 16p12.1.
Variant type: single nucleotide variant.
Coding change: c.326T>C on transcript NM_001042432.2 (MANE Select); coding-DNA position 326, T replaced by C.
Protein change: p.Leu109Pro; replaces leucine 109 with proline.
Molecular consequence: missense variant. On other transcripts: intron variant (1).
Genome position (GRCh38, 1-based): chr16:28,487,710, A>G on the plus strand (T>C on the coding strand, the complement: CLN3 is on the minus strand). VCF-style: chr16-28487710-A-G. GRCh37 (hg19) VCF-style: chr16-28499031-A-G.
Other names: c.326T>C, p.Leu109Pro (NM_000086.2); c.254T>C, p.Leu85Pro (NM_001286104.2); c.92T>C, p.Leu31Pro (NM_001286109.2); c.164T>C, p.Leu55Pro (NM_001286110.2); c.75-169T>C (NM_001286105.2); short protein forms L55P, L85P, L31P, L109P.
Identifiers: ClinVar variation 2135194 (VCV002135194.4), dbSNP rs1232460841, ClinGen allele CA395346102.
Genomic context (GRCh38, chr16:28,487,710, plus strand): 5'-CCTCACCCAGACCTGTAGGGCAGCAGGTGAAGGCCAAGAGGAGCCAACAATTTGATGACG[A>G]GTGTGGGGAGGATGTCCGCCAGGAGCACAGCCTGGGACAGGAGAATAGAGTGAGACCGCA-3'
Protein context (NP_001035897.1, residues 99-119): AVLLADILPT[Leu109Pro]VIKLLAPLGL

ClinVar aggregate classification (germline): Uncertain significance (1 of 4 stars; one submission).

Conditions:
Neuronal ceroid lipofuscinosis. Also called: Neuronal Ceroid Lipofuscinoses. Identifiers: Orphanet 216, Orphanet 79263, MedGen C0027877, MONDO:0016295. Disease mechanism: loss of function.

Allele frequency attached by ClinVar (database versions not stated): TOPMed below 0.00001; gnomAD 0.00001.
gnomAD v4.1: 1 of 1,613,836 alleles (0.000062%); highest among the groups gnomAD compares: Non-Finnish European, 0.000085%; no homozygotes.

Submission:

Labcorp Genetics (formerly Invitae), Labcorp
Classification: Uncertain significance for Neuronal ceroid lipofuscinosis. Last evaluated: 2022-05-07. Review status: criteria provided, single submitter. Criteria: Invitae Variant Classification Sherloc (09022015). Collection method: clinical testing. Allele origin: germline.
Comment: In summary, the available evidence is currently insufficient to determine the role of this variant in disease. Therefore, it has been classified as a Variant of Uncertain Significance. Algorithms developed to predict the effect of missense changes on protein structure and function (SIFT, PolyPhen-2, Align-GVGD) all suggest that this variant is likely to be disruptive. This variant has not been reported in the literature in individuals affected with CLN3-related conditions. This variant is not present in population databases (gnomAD no frequency). This sequence change replaces leucine, which is neutral and non-polar, with proline, which is neutral and non-polar, at codon 109 of the CLN3 protein (p.Leu109Pro).